The following is an entry in ClinVar:

ClinVar aggregate classification (germline): Uncertain significance (1 of 4 stars; one submission).

Conditions:
Autosomal dominant polycystic kidney disease. Identifiers: Orphanet 730, MedGen C0085413, MONDO:0004691.

Submission:

Labcorp Genetics (formerly Invitae), Labcorp
Classification: Uncertain significance for Autosomal dominant polycystic kidney disease. Last evaluated: 2022-07-05. Review status: criteria provided, single submitter. Criteria: Invitae Variant Classification Sherloc (09022015). Collection method: clinical testing. Allele origin: germline.
Comment: In summary, the available evidence is currently insufficient to determine the role of this variant in disease. Therefore, it has been classified as a Variant of Uncertain Significance. Algorithms developed to predict the effect of missense changes on protein structure and function (SIFT, PolyPhen-2, Align-GVGD) all suggest that this variant is likely to be tolerated. ClinVar contains an entry for this variant (Variation ID: 838482). This variant has not been reported in the literature in individuals affected with PKD2-related conditions. This variant is not present in population databases (gnomAD no frequency). This sequence change replaces proline, which is neutral and non-polar, with arginine, which is basic and polar, at codon 185 of the PKD2 protein (p.Pro185Arg).

NM_000297.4(PKD2):c.554C>G (p.Pro185Arg)

Genes: PKD2 (polycystin 2, transient receptor potential cation channel; plus strand), LOC129992813 (ATAC-STARR-seq lymphoblastoid silent region 15559; plus strand). Cytogenetic location: 4q22.1.
Variant type: single nucleotide variant.
Coding change: c.554C>G on transcript NM_000297.4 (MANE Select); coding-DNA position 554, C replaced by G.
Protein change: p.Pro185Arg; replaces proline 185 with arginine.
Molecular consequence: missense variant. On other transcripts: non-coding transcript variant (1).
Genome position (GRCh38, 1-based): chr4:88,008,287, C>G. VCF-style: chr4-88008287-C-G. GRCh37 (hg19) VCF-style: chr4-88929439-C-G.
Other names: short protein forms P185R.
Identifiers: ClinVar variation 838482 (VCV000838482.10), dbSNP rs1726257934, ClinGen allele CA357627118.